The following is an entry in ClinVar:

ClinVar aggregate classification (germline): Uncertain significance (1 of 4 stars; one submission).

Submission:

CeGaT Center for Human Genetics Tuebingen
Classification: Uncertain significance. Last evaluated: 2024-06-01. Review status: criteria provided, single submitter. Criteria: CeGaT Center For Human Genetics Tuebingen Variant Classification Criteria Version 2. Collection method: clinical testing. Allele origin: germline. Affected: yes. Observed: 1 variant allele.
Comment: POLG: PM2

NM_002693.3(POLG):c.1114G>A (p.Glu372Lys)

Gene: POLG (DNA polymerase gamma, catalytic subunit; minus strand). Cytogenetic location: 15q26.1.
Variant type: single nucleotide variant.
Coding change: c.1114G>A on transcript NM_002693.3 (MANE Select); coding-DNA position 1114, G replaced by A.
Protein change: p.Glu372Lys; replaces glutamic acid 372 with lysine.
Molecular consequence: missense variant.
Genome position (GRCh38, 1-based): chr15:89,328,741, C>T on the plus strand (G>A on the coding strand, the complement: POLG is on the minus strand). VCF-style: chr15-89328741-C-T. GRCh37 (hg19) VCF-style: chr15-89871972-C-T.
Other names: c.1114G>A, p.Glu372Lys (NM_001126131.2); short protein forms E372K.
Identifiers: ClinVar variation 3250920 (VCV003250920.18), dbSNP rs2509261232.